The following is an entry in ClinVar:

NM_001267550.2(TTN):c.77182A>G (p.Ser25728Gly)

Genes: TTN (titin; minus strand), TTN-AS1 (TTN antisense RNA 1; plus strand). Cytogenetic location: 2q31.2.
Variant type: single nucleotide variant.
Coding change: c.77182A>G on transcript NM_001267550.2 (MANE Select); coding-DNA position 77182, A replaced by G.
Protein change: p.Ser25728Gly; replaces serine 25728 with glycine.
Molecular consequence: missense variant.
Genome position (GRCh38, 1-based): chr2:178,568,950, T>C on the plus strand (A>G on the coding strand, the complement: TTN is on the minus strand). VCF-style: chr2-178568950-T-C. GRCh37 (hg19) VCF-style: chr2-179433677-T-C.
Other names: c.72259A>G, p.Ser24087Gly (NM_001256850.1); c.49987A>G, p.Ser16663Gly (NM_003319.4); c.69478A>G, p.Ser23160Gly (NM_133378.4); c.50362A>G, p.Ser16788Gly (NM_133432.3); c.50563A>G, p.Ser16855Gly (NM_133437.4); short protein forms S25728G, S16663G, S16788G, S16855G, S23160G, S24087G.
Identifiers: ClinVar variation 467501 (VCV000467501.7), dbSNP rs1306199809, ClinGen allele CA349612057.
Genomic context (GRCh38, chr2:178,568,950, plus strand): 5'-ACTCTGACCATTTCTCACTGTGTTTAGCTTGCATTTCCACAATATACTGAATGATTTTAC[T>C]GCCACCATCATGTTCAGGTTTTGTCCAACTCAGAGAGACACTGTTTCTGGTGACATCATC-3'
Protein context (NP_001254479.2, residues 25718-25738): SWTKPEHDGG[Ser25728Gly]KIIQYIVEMQ

ClinVar aggregate classification (germline): Uncertain significance. Review status: criteria provided, multiple submitters, no conflicts (2 of 4 stars). 2 submissions from 2 submitters: Uncertain significance (2). Last evaluated 2018-04-12.

Conditions:
Autosomal recessive limb-girdle muscular dystrophy type 2J (LGMDR10). Also called: Limb-girdle muscular dystrophy, type 2J; MUSCULAR DYSTROPHY, LIMB-GIRDLE, AUTOSOMAL RECESSIVE 10. Identifiers: Orphanet 140922, MedGen C1837342, MONDO:0012127, OMIM 608807.
Dilated cardiomyopathy 1G (CMD1G). Identifiers: Orphanet 154, MedGen C1858763, MONDO:0011400, OMIM 604145.

gnomAD v4.1: 1 of 1,613,508 alleles (0.000062%); highest among the groups gnomAD compares: Non-Finnish European, 0.000085%; no homozygotes.

Submissions (2):

Laboratory for Molecular Medicine, Mass General Brigham Personalized Medicine
Classification: Uncertain significance. Last evaluated: 2018-04-12. Review status: criteria provided, single submitter. Criteria: LMM Criteria. Collection method: clinical testing. Allele origin: germline. Observed: 1 variant allele.
Comment: The p.Ser23160Gly variant in TTN has not been previously reported in individuals with cardiomyopathy and was absent from large population studies. Computational prediction tools and conservation analysis suggest that the p.Ser23160Gly varia nt may impact the protein, though this information is not predictive enough to d etermine pathogenicity. In summary, the clinical significance of the p.Ser23160G ly variant is uncertain. ACMG/AMP Criteria applied: PM2; PP3.

Labcorp Genetics (formerly Invitae), Labcorp
Classification: Uncertain significance for Dilated cardiomyopathy 1G; Autosomal recessive limb-girdle muscular dystrophy type 2J. Last evaluated: 2017-05-30. Review status: criteria provided, single submitter. Criteria: Invitae Variant Classification Sherloc (09022015). Collection method: clinical testing. Allele origin: germline.